The following is an entry in ClinVar:

NM_152383.5(DIS3L2):c.53G>A (p.Gly18Asp)

Gene: DIS3L2 (DIS3 like 3'-5' exoribonuclease 2; plus strand). Cytogenetic location: 2q37.1.
Variant type: single nucleotide variant.
Coding change: c.53G>A on transcript NM_152383.5 (MANE Select); coding-DNA position 53, G replaced by A.
Protein change: p.Gly18Asp; replaces glycine 18 with aspartic acid.
Molecular consequence: missense variant. On other transcripts: non-coding transcript variant (2).
Genome position (GRCh38, 1-based): chr2:232,015,514, G>A. VCF-style: chr2-232015514-G-A. GRCh37 (hg19) VCF-style: chr2-232880224-G-A.
Other names: c.53G>A, p.Gly18Asp (NM_001257281.2, NM_001257282.2); short protein forms G18D.
Identifiers: ClinVar variation 2729846 (VCV002729846.3), dbSNP rs1276037942, ClinGen allele CA351151811.
Genomic context (GRCh38, chr2:232,015,514, plus strand): 5'-CCAGTTTTAAAAATACACAGATGTTTGAGGAAAGAGTTGATTGCTGCCTCCTGTTTCTAG[G>A]TGTGTCTGCTGTGGCTGGTCCACATGACATTGGTGCTTCGCCAGGTGACAAAAAGTCAAA-3'
Protein context (NP_689596.4, residues 8-28): MNLRPLGTPR[Gly18Asp]VSAVAGPHDI

ClinVar aggregate classification (germline): Uncertain significance (1 of 4 stars; one submission).

Conditions:
Perlman syndrome (PRLMNS). Identifiers: Orphanet 2849, MedGen C0796113, MONDO:0009965, OMIM 267000.

Allele frequency attached by ClinVar (database versions not stated): gnomAD exomes below 0.00001.
gnomAD v4.1: 2 of 1,613,642 alleles (0.00012%); highest among the groups gnomAD compares: Non-Finnish European, 0.00017%; no homozygotes.

Submission:

Labcorp Genetics (formerly Invitae), Labcorp
Classification: Uncertain significance for Perlman syndrome. Last evaluated: 2023-10-30. Review status: criteria provided, single submitter. Criteria: Invitae Variant Classification Sherloc (09022015). Collection method: clinical testing. Allele origin: germline.
Comment: This sequence change replaces glycine, which is neutral and non-polar, with aspartic acid, which is acidic and polar, at codon 18 of the DIS3L2 protein (p.Gly18Asp). This variant is present in population databases (no rsID available, gnomAD 0.0009%). This variant has not been reported in the literature in individuals affected with DIS3L2-related conditions. An algorithm developed to predict the effect of missense changes on protein structure and function (PolyPhen-2) suggests that this variant is likely to be tolerated. In summary, the available evidence is currently insufficient to determine the role of this variant in disease. Therefore, it has been classified as a Variant of Uncertain Significance.